The following is an entry in ClinVar:

ClinVar aggregate classification (germline): Uncertain significance (1 of 4 stars; one submission).

Conditions:
Rubinstein-Taybi syndrome (RSTS). Identifiers: Orphanet 783, MedGen C0035934, MONDO:0019188.

gnomAD v4.1: 1 of 1,614,164 alleles (0.000062%); highest among the groups gnomAD compares: Non-Finnish European, 0.000085%; no homozygotes.

Submission:

Labcorp Genetics (formerly Invitae), Labcorp
Classification: Uncertain significance for Rubinstein-Taybi syndrome. Last evaluated: 2025-02-25. Review status: criteria provided, single submitter. Criteria: Invitae Variant Classification Sherloc (09022015). Collection method: clinical testing. Allele origin: germline.
Comment: This sequence change replaces glutamic acid, which is acidic and polar, with glutamine, which is neutral and polar, at codon 996 of the CREBBP protein (p.Glu996Gln). This variant is not present in population databases (gnomAD no frequency). This variant has not been reported in the literature in individuals affected with CREBBP-related conditions. Invitae Evidence Modeling of protein sequence and biophysical properties (such as structural, functional, and spatial information, amino acid conservation, physicochemical variation, residue mobility, and thermodynamic stability) indicates that this missense variant is not expected to disrupt CREBBP protein function with a negative predictive value of 95%. In summary, the available evidence is currently insufficient to determine the role of this variant in disease. Therefore, it has been classified as a Variant of Uncertain Significance.

NM_004380.3(CREBBP):c.2986G>C (p.Glu996Gln)

Gene: CREBBP (CREB binding lysine acetyltransferase; minus strand). Cytogenetic location: 16p13.3.
Variant type: single nucleotide variant.
Coding change: c.2986G>C on transcript NM_004380.3 (MANE Select); coding-DNA position 2986, G replaced by C.
Protein change: p.Glu996Gln; replaces glutamic acid 996 with glutamine.
Molecular consequence: missense variant.
Genome position (GRCh38, 1-based): chr16:3,769,248, C>G on the plus strand (G>C on the coding strand, the complement: CREBBP is on the minus strand). VCF-style: chr16-3769248-C-G. GRCh37 (hg19) VCF-style: chr16-3819249-C-G.
Other names: c.2872G>C, p.Glu958Gln (NM_001079846.1); short protein forms E996Q, E958Q.
Identifiers: ClinVar variation 3653494 (VCV003653494.2).